The following is an entry in ClinVar:

NM_031407.7(HUWE1):c.9174T>C (p.Pro3058=)

Gene: HUWE1 (HECT, UBA and WWE domain containing E3 ubiquitin protein ligase 1; minus strand). Cytogenetic location: Xp11.22.
Variant type: single nucleotide variant.
Coding change: c.9174T>C on transcript NM_031407.7 (MANE Select); coding-DNA position 9174, T replaced by C.
Protein change: p.Pro3058=; no amino-acid change (proline 3058 retained).
Molecular consequence: synonymous variant.
Genome position (GRCh38, 1-based): chrX:53,551,112, A>G on the plus strand (T>C on the coding strand, the complement: HUWE1 is on the minus strand). VCF-style: chrX-53551112-A-G. GRCh37 (hg19) VCF-style: chrX-53578073-A-G.
Identifiers: ClinVar variation 3029947 (VCV003029947.2), dbSNP rs2523329527, ClinGen allele CA516676425.
Genomic context (GRCh38, chrX:53,551,112, plus strand): 5'-CTCCATATCCTCTAGGACACTACGGCGCAGGTCTGAGGGCAGAGTCTGGATGAAGGTCAC[A>G]GGGTCCATAGGGGTGTCTGAGCTGGCATTCTGTGCTAGTTCTCGTCGCTGCTGCTCAGCT-3'
Protein context (NP_113584.3, residues 3048-3068): QNASSDTPMD[Pro3058=]VTFIQTLPSD

ClinVar aggregate classification (germline): Likely benign (0 of 4 stars; one submission).

Conditions:
HUWE1-related disorder. Also called: HUWE1-related condition.

Submission:

PreventionGenetics, part of Exact Sciences
Classification: Likely benign for HUWE1-related condition. Last evaluated: 2021-03-11. Review status: no assertion criteria provided. Collection method: clinical testing. Allele origin: germline.
Comment: This variant is classified as likely benign based on ACMG/AMP sequence variant interpretation guidelines (Richards et al. 2015 PMID: 25741868, with internal and published modifications).